The following is an entry in ClinVar:

ClinVar aggregate classification (germline): Uncertain significance. Review status: criteria provided, multiple submitters, no conflicts (2 of 4 stars). 2 submissions from 2 submitters: Uncertain significance (2). Last evaluated 2024-03-28.

Conditions:
Hereditary spastic paraplegia 43. Also called: Spastic paraplegia 43, autosomal recessive. Identifiers: Orphanet 320370, MedGen C2680446, MONDO:0014024, OMIM 615043.

Allele frequency attached by ClinVar (database versions not stated): gnomAD exomes below 0.00001; gnomAD 0.00001.
gnomAD v4.1: 2 of 1,613,958 alleles (0.00012%); highest among the groups gnomAD compares: Non-Finnish European, 0.00017%; no homozygotes.

Submissions (2):

Labcorp Genetics (formerly Invitae), Labcorp
Classification: Uncertain significance for Hereditary spastic paraplegia 43. Last evaluated: 2024-03-28. Review status: criteria provided, single submitter. Criteria: Invitae Variant Classification Sherloc (09022015). Collection method: clinical testing. Allele origin: germline.
Comment: This sequence change replaces serine, which is neutral and polar, with phenylalanine, which is neutral and non-polar, at codon 39 of the C19orf12 protein (p.Ser39Phe). This variant is present in population databases (no rsID available, gnomAD 0.007%). This missense change has been observed in individual(s) with autosomal recessive mitochondrial membrane protein-associated neurodegeneration (PMID: 23269600). ClinVar contains an entry for this variant (Variation ID: 1682838). An algorithm developed to predict the effect of missense changes on protein structure and function (PolyPhen-2) suggests that this variant is likely to be disruptive. In summary, the available evidence is currently insufficient to determine the role of this variant in disease. Therefore, it has been classified as a Variant of Uncertain Significance.

Women's Health and Genetics/Laboratory Corporation of America, LabCorp
Classification: Uncertain significance. Last evaluated: 2023-03-20. Review status: criteria provided, single submitter. Criteria: LabCorp Variant Classification Summary - May 2015. Collection method: clinical testing. Allele origin: germline.
Comment: Variant summary: C19orf12 c.83C>T/p.Ser28Phe (legacy name: c.116C>T/p.Ser39Phe) results in a non-conservative amino acid change in the encoded protein sequence. Five of five in-silico tools predict a damaging effect of the variant on protein function. The variant was absent in 249450 control chromosomes. The available data on variant occurrences in the general population are insufficient to allow any conclusion about variant significance. c.83C>T has been reported in the literature in individuals affected with Neurodegeneration. These reports do not provide unequivocal conclusions about association of the variant with Neurodegeneration With Brain Iron Accumulation. To our knowledge, no experimental evidence demonstrating an impact on protein function has been reported. No clinical diagnostic laboratories have submitted clinical-significance assessments for this variant to ClinVar after 2014. Based on the evidence outlined above, the variant was classified as uncertain significance.

Literature cited by the submitters: PubMed 23269600 (cited by Labcorp Genetics (formerly Invitae), Labcorp and Women's Health and Genetics/Laboratory Corporation of America, LabCorp); PubMed 31087512 (cited by Women's Health and Genetics/Laboratory Corporation of America, LabCorp).

NM_031448.6(C19orf12):c.83C>T (p.Ser28Phe)

Gene: C19orf12 (chromosome 19 open reading frame 12; minus strand). Cytogenetic location: 19q12.
Variant type: single nucleotide variant.
Coding change: c.83C>T on transcript NM_031448.6 (MANE Select); coding-DNA position 83, C replaced by T.
Protein change: p.Ser28Phe; replaces serine 28 with phenylalanine.
Molecular consequence: missense variant. On other transcripts: 5 prime UTR variant (1), intron variant (2).
Genome position (GRCh38, 1-based): chr19:29,708,331, G>A on the plus strand (C>T on the coding strand, the complement: C19orf12 is on the minus strand). VCF-style: chr19-29708331-G-A. GRCh37 (hg19) VCF-style: chr19-30199238-G-A.
Other names: c.83C>T, p.Ser28Phe (NM_001031726.4, NM_001256046.3, NM_001256047.2); c.-231C>T (NM_001282931.3); c.-32-5354C>T (NM_001282929.1, NM_001282930.3); short protein forms S28F.
Identifiers: ClinVar variation 1682838 (VCV001682838.8), dbSNP rs1204865094, ClinGen allele CA405145522.